The following is an entry in ClinVar:

ClinVar aggregate classification (germline): Uncertain significance. Review status: criteria provided, multiple submitters, no conflicts (2 of 4 stars). 3 submissions from 3 submitters: Uncertain significance (3). Last evaluated 2025-05-29.

Conditions:
MHC class II deficiency. Also called: Bare lymphocyte syndrome 2; BLS, TYPE II. Identifiers: Orphanet 572, MedGen C5447452, MONDO:0008855.

Allele frequency attached by ClinVar (database versions not stated): gnomAD 0.00003; TOPMed 0.00004; ExAC 0.00021; gnomAD exomes 0.00004.
gnomAD v4.1: 48 of 1,524,544 alleles (0.0031%); highest among the groups gnomAD compares: Admixed American, 0.041%; no homozygotes.

Submissions (3):

Ambry Genetics
Classification: Uncertain significance. Last evaluated: 2025-05-29. Review status: criteria provided, single submitter. Criteria: Ambry Variant Classification Scheme 2023. Collection method: clinical testing. Allele origin: germline.

Labcorp Genetics (formerly Invitae), Labcorp
Classification: Uncertain significance for MHC class II deficiency. Last evaluated: 2023-10-05. Review status: criteria provided, single submitter. Criteria: Invitae Variant Classification Sherloc (09022015). Collection method: clinical testing. Allele origin: germline.
Comment: This sequence change replaces serine, which is neutral and polar, with arginine, which is basic and polar, at codon 64 of the RFXAP protein (p.Ser64Arg). This variant is present in population databases (rs758076793, gnomAD 0.02%). This variant has not been reported in the literature in individuals affected with RFXAP-related conditions. ClinVar contains an entry for this variant (Variation ID: 311784). Advanced modeling of protein sequence and biophysical properties (such as structural, functional, and spatial information, amino acid conservation, physicochemical variation, residue mobility, and thermodynamic stability) performed at Invitae indicates that this missense variant is not expected to disrupt RFXAP protein function. In summary, the available evidence is currently insufficient to determine the role of this variant in disease. Therefore, it has been classified as a Variant of Uncertain Significance.

Illumina Laboratory Services, Illumina
Classification: Uncertain significance for MHC class II deficiency 1. Last evaluated: 2018-01-13. Review status: criteria provided, single submitter. Criteria: ICSL Variant Classification Criteria 13 December 2019. Collection method: clinical testing. Allele origin: germline.

NM_000538.4(RFXAP):c.192C>G (p.Ser64Arg)

Gene: RFXAP (regulatory factor X associated protein; plus strand). Cytogenetic location: 13q13.3.
Variant type: single nucleotide variant.
Coding change: c.192C>G on transcript NM_000538.4 (MANE Select); coding-DNA position 192, C replaced by G.
Protein change: p.Ser64Arg; replaces serine 64 with arginine.
Molecular consequence: missense variant.
Genome position (GRCh38, 1-based): chr13:36,819,549, C>G. VCF-style: chr13-36819549-C-G. GRCh37 (hg19) VCF-style: chr13-37393686-C-G.
Other names: short protein forms S64R.
Identifiers: ClinVar variation 311784 (VCV000311784.13), dbSNP rs758076793, ClinGen allele CA6950184.